The following is an entry in ClinVar:

ClinVar aggregate classification (germline): Conflicting classifications of pathogenicity. Review status: criteria provided, conflicting classifications (1 of 4 stars). 2 submissions from 2 submitters: Likely pathogenic (1); Uncertain significance (1). Last evaluated 2021-06-30.

Submissions (2):

Blueprint Genetics
Classification: Uncertain significance. Last evaluated: 2021-06-30. Review status: criteria provided, single submitter. Criteria: ACMG Guidelines, 2015. Collection method: clinical testing. Allele origin: germline.

Genetic Services Laboratory, University of Chicago
Classification: Likely pathogenic. Last evaluated: 2019-02-11. Review status: criteria provided, single submitter. Criteria: ACMG Guidelines, 2015. Collection method: clinical testing. Allele origin: germline. Affected: yes.
Comment: DNA sequence analysis of the SLC16A2 gene demonstrated a sequence change, c.325T>C, in exon 1 that results in an amino acid change, p.Trp109Arg. The p.Trp109Arg change affects a moderately conserved amino acid residue located in a domain of the SLC16A2 protein that is known to be functional. The p.Trp109Arg substitution appears to be possibly damaging using several in-silico pathogenicity prediction tools (SIFT, PolyPhen2, CADD, REVEL). This amino acid change has been identified in a patient with MCT8 deficiency (Refetoff S., unpublished data). This sequence change is absent from the gnomAD population database.

NM_006517.5(SLC16A2):c.325T>C (p.Trp109Arg)

Gene: SLC16A2 (solute carrier family 16 member 2; plus strand). Cytogenetic location: Xq13.2.
Variant type: single nucleotide variant.
Coding change: c.325T>C on transcript NM_006517.5 (MANE Select); coding-DNA position 325, T replaced by C.
Protein change: p.Trp109Arg; replaces tryptophan 109 with arginine.
Molecular consequence: missense variant.
Genome position (GRCh38, 1-based): chrX:74,421,962, T>C. VCF-style: chrX-74421962-T-C. GRCh37 (hg19) VCF-style: chrX-73641797-T-C.
Other names: short protein forms W109R.
Identifiers: ClinVar variation 1338485 (VCV001338485.5), dbSNP rs2147834066, ClinGen allele CA413656244.